The following is an entry in ClinVar:

NM_182961.4(SYNE1):c.1135T>C (p.Ser379Pro)

Gene: SYNE1 (spectrin repeat containing nuclear envelope protein 1; minus strand). Cytogenetic location: 6q25.2.
Variant type: single nucleotide variant.
Coding change: c.1135T>C on transcript NM_182961.4 (MANE Select); coding-DNA position 1135, T replaced by C.
Protein change: p.Ser379Pro; replaces serine 379 with proline.
Molecular consequence: missense variant.
Genome position (GRCh38, 1-based): chr6:152,484,885, A>G on the plus strand (T>C on the coding strand, the complement: SYNE1 is on the minus strand). VCF-style: chr6-152484885-A-G. GRCh37 (hg19) VCF-style: chr6-152806020-A-G.
Other names: c.1156T>C, p.Ser386Pro (NM_033071.5); short protein forms S386P, S379P.
Identifiers: ClinVar variation 2016254 (VCV002016254.4), dbSNP rs2505836034, ClinGen allele CA366141716.

ClinVar aggregate classification (germline): Uncertain significance (1 of 4 stars; one submission).

Conditions:
Autosomal recessive ataxia, Beauce type. Also called: SYNE1 Deficiency; Spinocerebellar ataxia, autosomal recessive 8; ATAXIA, RECESSIVE, OF BEAUCE; SYNE1-Related Autosomal Recessive Cerebellar Ataxia. Identifiers: Orphanet 88644, MedGen C1853116, MONDO:0012549, OMIM 610743.
Emery-Dreifuss muscular dystrophy 4, autosomal dominant (EDMD4). Also called: EMERY-DREIFUSS MUSCULAR DYSTROPHY 4 WITH VARIABLE FEATURES. Identifiers: Orphanet 261, MedGen C2751807, MONDO:0013071, OMIM 612998.

Submission:

Labcorp Genetics (formerly Invitae), Labcorp
Classification: Uncertain significance for Emery-Dreifuss muscular dystrophy 4, autosomal dominant; Autosomal recessive ataxia, Beauce type. Last evaluated: 2023-12-11. Review status: criteria provided, single submitter. Criteria: Invitae Variant Classification Sherloc (09022015). Collection method: clinical testing. Allele origin: germline.
Comment: This sequence change replaces serine, which is neutral and polar, with proline, which is neutral and non-polar, at codon 386 of the SYNE1 protein (p.Ser386Pro). This variant is not present in population databases (gnomAD no frequency). This variant has not been reported in the literature in individuals affected with SYNE1-related conditions. ClinVar contains an entry for this variant (Variation ID: 2016254). An algorithm developed to predict the effect of missense changes on protein structure and function (PolyPhen-2) suggests that this variant is likely to be disruptive. In summary, the available evidence is currently insufficient to determine the role of this variant in disease. Therefore, it has been classified as a Variant of Uncertain Significance.